The following is an entry in ClinVar:

ClinVar aggregate classification (germline): Likely pathogenic (1 of 4 stars; one submission).

Conditions:
Combined oxidative phosphorylation defect type 24. Also called: Combined oxidative phosphorylation deficiency 24. Identifiers: Orphanet 444458, MedGen C4015643, MONDO:0014547, OMIM 616239.
Hearing loss, autosomal recessive 94. Also called: Deafness, autosomal recessive 94. Identifiers: MedGen C5193096, MONDO:0032749, OMIM 618434.

Submission:

Clinical Genomics Laboratory, Washington University in St. Louis
Classification: Likely pathogenic for Hearing loss, autosomal recessive 94; Combined oxidative phosphorylation defect type 24. Last evaluated: 2024-09-14. Review status: criteria provided, single submitter. Criteria: ACMG Guidelines, 2015. Collection method: clinical testing. Allele origin: germline. Affected: yes.
Comment: The NARS2 c.252-2A>G variant, to our knowledge, has not been reported in the medical literature. This variant is only observed in 1 out of 242,082 alleles in the general population (gnomAD v.2.1.1), indicating it is not a common variant. This variant occurs within the canonical splice acceptor site, which is predicted to cause skipping of the exon, leading to an out of frame transcript. Based on available information and the ACMG/AMP guidelines for variant interpretation (Richards S et al., PMID: 25741868), this variant is classified as likely pathogenic.

NM_024678.6(NARS2):c.252-2A>G

Gene: NARS2 (asparaginyl-tRNA synthetase 2, mitochondrial; minus strand). Cytogenetic location: 11q14.1.
Variant type: single nucleotide variant.
Coding change: c.252-2A>G on transcript NM_024678.6 (MANE Select); the canonical splice acceptor site of the intron before coding-DNA position 252, A replaced by G.
Molecular consequence: splice acceptor variant. On other transcripts: intron variant (1).
Genome position (GRCh38, 1-based): chr11:78,568,754, T>C on the plus strand (A>G on the coding strand, the complement: NARS2 is on the minus strand). VCF-style: chr11-78568754-T-C. GRCh37 (hg19) VCF-style: chr11-78279800-T-C.
Other names: c.-430-2A>G (NM_001425314.1, NM_001243251.2, NM_001425310.1 and 1 more transcripts); c.-502-2A>G (NM_001425312.1); c.142-2482A>G (NM_001425308.1); c.252-2A>G (NM_001425303.1, NM_001425302.1, NM_001425307.1 and 7 more transcripts); c.-305-2A>G (NM_001425311.1).
Identifiers: ClinVar variation 3600372 (VCV003600372.1).